The following is an entry in ClinVar:

ClinVar aggregate classification (germline): Uncertain significance (1 of 4 stars; one submission).

Conditions:
Myofibrillar myopathy 6. Identifiers: Orphanet 199340, MedGen C2751831, MONDO:0013061, OMIM 612954.
Dilated cardiomyopathy 1HH (CMD1HH). Identifiers: Orphanet 154, MedGen C3151293, MONDO:0013479, OMIM 613881.

Allele frequency attached by ClinVar (database versions not stated): gnomAD exomes below 0.00001; gnomAD 0.00001.
gnomAD v4.1: 2 of 1,613,174 alleles (0.00012%); highest among the groups gnomAD compares: African/African-American, 0.0013%; no homozygotes.

Submission:

Labcorp Genetics (formerly Invitae), Labcorp
Classification: Uncertain significance for Dilated cardiomyopathy 1HH; Myofibrillar myopathy 6. Last evaluated: 2023-12-13. Review status: criteria provided, single submitter. Criteria: Invitae Variant Classification Sherloc (09022015). Collection method: clinical testing. Allele origin: germline.
Comment: This sequence change replaces glutamine, which is neutral and polar, with arginine, which is basic and polar, at codon 172 of the BAG3 protein (p.Gln172Arg). This variant is not present in population databases (gnomAD no frequency). This variant has not been reported in the literature in individuals affected with BAG3-related conditions. ClinVar contains an entry for this variant (Variation ID: 837797). Advanced modeling of protein sequence and biophysical properties (such as structural, functional, and spatial information, amino acid conservation, physicochemical variation, residue mobility, and thermodynamic stability) performed at Invitae indicates that this missense variant is not expected to disrupt BAG3 protein function with a negative predictive value of 80%. In summary, the available evidence is currently insufficient to determine the role of this variant in disease. Therefore, it has been classified as a Variant of Uncertain Significance.

NM_004281.4(BAG3):c.515A>G (p.Gln172Arg)

Gene: BAG3 (BAG cochaperone 3; plus strand). Cytogenetic location: 10q26.11.
Variant type: single nucleotide variant.
Coding change: c.515A>G on transcript NM_004281.4 (MANE Select); coding-DNA position 515, A replaced by G.
Protein change: p.Gln172Arg; replaces glutamine 172 with arginine.
Molecular consequence: missense variant.
Genome position (GRCh38, 1-based): chr10:119,672,262, A>G. VCF-style: chr10-119672262-A-G. GRCh37 (hg19) VCF-style: chr10-121431774-A-G.
Other names: short protein forms Q172R.
Identifiers: ClinVar variation 837797 (VCV000837797.4), dbSNP rs1847160177, ClinGen allele CA378295249.